The following is an entry in ClinVar:

ClinVar aggregate classification (germline): Uncertain significance (1 of 4 stars; one submission).

Submission:

Ambry Genetics
Classification: Uncertain significance. Last evaluated: 2023-08-11. Review status: criteria provided, single submitter. Criteria: Ambry Variant Classification Scheme 2023. Collection method: clinical testing. Allele origin: germline.
Comment: The p.S140C variant (also known as c.418A>T) is located in coding exon 5 of the NQO1 gene. The serine at codon 140 is replaced by cysteine, an amino acid with dissimilar properties. This change occurs in the first base pair of coding exon 5. This amino acid position is conserved. In addition, this alteration is predicted to be tolerated by in silico analysis. Since supporting evidence is limited at this time, the clinical significance of this alteration remains unclear.

NM_000903.3(NQO1):c.418A>T (p.Ser140Cys)

Gene: NQO1 (NAD(P)H quinone dehydrogenase 1; minus strand). Cytogenetic location: 16q22.1.
Variant type: single nucleotide variant.
Coding change: c.418A>T on transcript NM_000903.3 (MANE Select); coding-DNA position 418, A replaced by T.
Protein change: p.Ser140Cys; replaces serine 140 with cysteine.
Molecular consequence: missense variant. On other transcripts: intron variant (2).
Genome position (GRCh38, 1-based): chr16:69,713,129, T>A on the plus strand (A>T on the coding strand, the complement: NQO1 is on the minus strand). VCF-style: chr16-69713129-T-A. GRCh37 (hg19) VCF-style: chr16-69747032-T-A.
Other names: c.304A>T, p.Ser102Cys (NM_001025434.2); c.304-1848A>T (NM_001286137.2); c.417+1835A>T (NM_001025433.2); short protein forms S102C, S140C.
Identifiers: ClinVar variation 2624657 (VCV002624657.2), dbSNP rs2544322667, ClinGen allele CA396488494.